The following is an entry in ClinVar:

ClinVar aggregate classification (germline): Uncertain significance (1 of 4 stars; one submission).

Conditions:
Inflammatory bowel disease 28. Also called: Inflammatory bowel disease 28, early onset, autosomal recessive. Identifiers: Orphanet 238569, MedGen C2751053, MONDO:0013153, OMIM 613148.

Allele frequency attached by ClinVar (database versions not stated): gnomAD exomes below 0.00001; ExAC 0.00001; gnomAD 0.00001; 1000 Genomes Project 0.00020; 1000 Genomes Project 30x 0.00031.
gnomAD v4.1: 8 of 1,614,194 alleles (0.0005%); highest among the groups gnomAD compares: South Asian, 0.0088%; no homozygotes.

Submission:

Labcorp Genetics (formerly Invitae), Labcorp
Classification: Uncertain significance for Inflammatory bowel disease 28. Last evaluated: 2020-11-12. Review status: criteria provided, single submitter. Criteria: Invitae Variant Classification Sherloc (09022015). Collection method: clinical testing. Allele origin: germline.
Comment: In summary, the available evidence is currently insufficient to determine the role of this variant in disease. Therefore, it has been classified as a Variant of Uncertain Significance. Algorithms developed to predict the effect of missense changes on protein structure and function output the following: SIFT: "Tolerated"; PolyPhen-2: "Benign"; Align-GVGD: "Class C0". The serine amino acid residue is found in multiple mammalian species, suggesting that this missense change does not adversely affect protein function. These predictions have not been confirmed by published functional studies and their clinical significance is uncertain. This variant has not been reported in the literature in individuals with IL10RA-related conditions. This variant is present in population databases (rs568445118, ExAC 0.006%). This sequence change replaces proline with serine at codon 512 of the IL10RA protein (p.Pro512Ser). The proline residue is highly conserved and there is a moderate physicochemical difference between proline and serine.

NM_001558.4(IL10RA):c.1534C>T (p.Pro512Ser)

Gene: IL10RA (interleukin 10 receptor subunit alpha; plus strand). Cytogenetic location: 11q23.3.
Variant type: single nucleotide variant.
Coding change: c.1534C>T on transcript NM_001558.4 (MANE Select); coding-DNA position 1534, C replaced by T.
Protein change: p.Pro512Ser; replaces proline 512 with serine.
Molecular consequence: missense variant. On other transcripts: non-coding transcript variant (1).
Genome position (GRCh38, 1-based): chr11:117,999,438, C>T. VCF-style: chr11-117999438-C-T. GRCh37 (hg19) VCF-style: chr11-117870153-C-T.
Other names: short protein forms P512S.
Identifiers: ClinVar variation 1511094 (VCV001511094.8), dbSNP rs568445118, ClinGen allele CA6299202.
Genomic context (GRCh38, chr11:117,999,438, plus strand): 5'-CTGGCCAAGGGCTATTTGAAACAGGATCCTCTAGAAATGACTCTGGCTTCCTCAGGGGCC[C>T]CAACGGGACAGTGGAACCAGCCCACTGAGGAATGGTCACTCCTGGCCTTGAGCAGCTGCA-3'
Protein context (NP_001549.2, residues 502-522): LEMTLASSGA[Pro512Ser]TGQWNQPTEE